The following is an entry in ClinVar:

ClinVar aggregate classification (germline): Uncertain significance (1 of 4 stars; one submission).

Submission:

Labcorp Genetics (formerly Invitae), Labcorp
Classification: Uncertain significance. Last evaluated: 2021-02-22. Review status: criteria provided, single submitter. Criteria: Invitae Variant Classification Sherloc (09022015). Collection method: clinical testing. Allele origin: germline.
Comment: In summary, the available evidence is currently insufficient to determine the role of this variant in disease. Therefore, it has been classified as a Variant of Uncertain Significance. Algorithms developed to predict the effect of missense changes on protein structure and function output the following: SIFT: "Tolerated"; PolyPhen-2: "Benign"; Align-GVGD: "Class C0". The valine amino acid residue is found in multiple mammalian species, suggesting that this missense change does not adversely affect protein function. These predictions have not been confirmed by published functional studies and their clinical significance is uncertain. This variant has not been reported in the literature in individuals with EPS8L2-related conditions. This sequence change replaces alanine with valine at codon 554 of the EPS8L2 protein (p.Ala554Val). The alanine residue is weakly conserved and there is a small physicochemical difference between alanine and valine. This variant is not present in population databases (ExAC no frequency).

NM_022772.4(EPS8L2):c.1661C>T (p.Ala554Val)

Genes: EPS8L2 (EPS8 signaling adaptor L2; plus strand), LOC130005080 (ATAC-STARR-seq lymphoblastoid silent region 3020; plus strand). Cytogenetic location: 11p15.5.
Variant type: single nucleotide variant.
Coding change: c.1661C>T on transcript NM_022772.4 (MANE Select); coding-DNA position 1661, C replaced by T.
Protein change: p.Ala554Val; replaces alanine 554 with valine.
Molecular consequence: missense variant.
Genome position (GRCh38, 1-based): chr11:725,828, C>T. VCF-style: chr11-725828-C-T. GRCh37 (hg19) VCF-style: chr11-725828-C-T.
Other names: short protein forms A554V.
Identifiers: ClinVar variation 1462407 (VCV001462407.8), dbSNP rs1862299576, ClinGen allele CA378974895.